The following is an entry in ClinVar:

NM_001999.4(FBN2):c.6744G>T (p.Met2248Ile)

Gene: FBN2 (fibrillin 2; minus strand). Cytogenetic location: 5q23.3.
Variant type: single nucleotide variant.
Coding change: c.6744G>T on transcript NM_001999.4 (MANE Select); coding-DNA position 6744, G replaced by T.
Protein change: p.Met2248Ile; replaces methionine 2248 with isoleucine.
Molecular consequence: missense variant.
Genome position (GRCh38, 1-based): chr5:128,288,451, C>A on the plus strand (G>T on the coding strand, the complement: FBN2 is on the minus strand). VCF-style: chr5-128288451-C-A. GRCh37 (hg19) VCF-style: chr5-127624143-C-A.
Other names: short protein forms M2248I.
Identifiers: ClinVar variation 4255507 (VCV004255507.1).

ClinVar aggregate classification (germline): Uncertain significance (1 of 4 stars; one submission).

Conditions:
Familial thoracic aortic aneurysm and aortic dissection (TAAD). Also called: Thoracic aortic aneurysms and dissections. Identifiers: Orphanet 91387, MedGen C4707243, MONDO:0019625.

Submission:

Ambry Genetics
Classification: Uncertain significance for Familial thoracic aortic aneurysm and aortic dissection. Last evaluated: 2025-09-11. Review status: criteria provided, single submitter. Criteria: Ambry Variant Classification Scheme 2023. Collection method: clinical testing. Allele origin: germline.
Comment: The p.M2248I variant (also known as c.6744G>T), located in coding exon 53 of the FBN2 gene, results from a G to T substitution at nucleotide position 6744. The methionine at codon 2248 is replaced by isoleucine, an amino acid with highly similar properties. This amino acid position is highly conserved in available vertebrate species. In addition, the in silico prediction for this alteration is inconclusive. Based on the available evidence, the clinical significance of this variant remains unclear.